The following is an entry in ClinVar:

ClinVar aggregate classification (germline): Likely benign (0 of 4 stars; one submission).

Conditions:
SOX18-related disorder. Also called: SOX18-related condition.

Allele frequency attached by ClinVar (database versions not stated): gnomAD exomes 0.00002; TOPMed 0.00010; gnomAD 0.00015.
gnomAD v4.1: 48 of 1,327,538 alleles (0.0036%); highest among the groups gnomAD compares: Admixed American, 0.037%; no homozygotes.

Submission:

PreventionGenetics, part of Exact Sciences
Classification: Likely benign for SOX18-related condition. Last evaluated: 2024-01-26. Review status: no assertion criteria provided. Collection method: clinical testing. Allele origin: germline.
Comment: This variant is classified as likely benign based on ACMG/AMP sequence variant interpretation guidelines (Richards et al. 2015 PMID: 25741868, with internal and published modifications).

NM_018419.3(SOX18):c.858C>T (p.Thr286=)

Gene: SOX18 (SRY-box transcription factor 18; minus strand). Cytogenetic location: 20q13.33.
Variant type: single nucleotide variant.
Coding change: c.858C>T on transcript NM_018419.3 (MANE Select); coding-DNA position 858, C replaced by T.
Protein change: p.Thr286=; no amino-acid change (threonine 286 retained).
Molecular consequence: synonymous variant.
Genome position (GRCh38, 1-based): chr20:64,048,463, G>A on the plus strand (C>T on the coding strand, the complement: SOX18 is on the minus strand). VCF-style: chr20-64048463-G-A. GRCh37 (hg19) VCF-style: chr20-62679816-G-A.
Identifiers: ClinVar variation 3037049 (VCV003037049.2), dbSNP rs952352184, ClinGen allele CA317563540.